The following is an entry in ClinVar:

ClinVar aggregate classification (germline): Pathogenic (1 of 4 stars; one submission).

Submission:

Labcorp Genetics (formerly Invitae), Labcorp
Classification: Pathogenic. Last evaluated: 2022-11-19. Review status: criteria provided, single submitter. Criteria: Invitae Variant Classification Sherloc (09022015). Collection method: clinical testing. Allele origin: germline.
Comment: For these reasons, this variant has been classified as Pathogenic. This variant has not been reported in the literature in individuals affected with OPA1-related conditions. This variant is not present in population databases (gnomAD no frequency). This sequence change creates a premature translational stop signal (p.Asn67Phefs*6) in the OPA1 gene. It is expected to result in an absent or disrupted protein product. Loss-of-function variants in OPA1 are known to be pathogenic (PMID: 11440988, 20157015, 20952381, 25012220).

Literature cited by the submitters: PubMed 11440988; PubMed 20157015; PubMed 20952381; PubMed 25012220.

NM_130837.3(OPA1):c.198_201del (p.Asn67fs)

Gene: OPA1 (OPA1 mitochondrial dynamin like GTPase; plus strand). Cytogenetic location: 3q29.
Variant type: Deletion.
Coding change: c.198_201del on transcript NM_130837.3 (MANE Select); coding-DNA positions 198 to 201, 4 bases deleted (AAAC; older notation c.198_201delAAAC).
Protein change: p.Asn67fs; shifts the reading frame from asparagine 67.
Molecular consequence: frameshift variant. On other transcripts: 5 prime UTR variant (2).
Genome position (GRCh38, 1-based): chr3:193,614,888-193,614,891, AAAC deleted; deleting any 4 consecutive bases within chr3:193,614,886-193,614,891 gives the same sequence; the c. name uses the placement nearest the transcript's 3' end. VCF-style (leftmost placement, unchanged base first): chr3-193614885-GACAA-G. GRCh37 (hg19) VCF-style: chr3-193332674-GACAA-G.
Other names: c.198_201del, p.Asn67fs (NM_130833.3, NM_130834.3, NM_130835.3 and 4 more transcripts); c.-175_-172del (NM_001354663.2, NM_001354664.2); short protein forms N67fs.
Identifiers: ClinVar variation 2815352 (VCV002815352.3), dbSNP rs2474576413, ClinGen allele CA2669104766.